The following is an entry in ClinVar:

NM_145178.4(ATOH7):c.245T>A (p.Leu82Gln)

Gene: ATOH7 (atonal bHLH transcription factor 7; minus strand). Cytogenetic location: 10q21.3.
Variant type: single nucleotide variant.
Coding change: c.245T>A on transcript NM_145178.4 (MANE Select); coding-DNA position 245, T replaced by A.
Protein change: p.Leu82Gln; replaces leucine 82 with glutamine.
Molecular consequence: missense variant.
Genome position (GRCh38, 1-based): chr10:68,231,433, A>T on the plus strand (T>A on the coding strand, the complement: ATOH7 is on the minus strand). VCF-style: chr10-68231433-A-T. GRCh37 (hg19) VCF-style: chr10-69991190-A-T.
Other names: short protein forms L82Q.
Identifiers: ClinVar variation 1520190 (VCV001520190.6), dbSNP rs2134380406, ClinGen allele CA376835899.

ClinVar aggregate classification (germline): Uncertain significance (1 of 4 stars; one submission).

Submission:

Labcorp Genetics (formerly Invitae), Labcorp
Classification: Uncertain significance. Last evaluated: 2024-04-04. Review status: criteria provided, single submitter. Criteria: Invitae Variant Classification Sherloc (09022015). Collection method: clinical testing. Allele origin: germline.
Comment: This sequence change replaces leucine, which is neutral and non-polar, with glutamine, which is neutral and polar, at codon 82 of the ATOH7 protein (p.Leu82Gln). This variant is not present in population databases (gnomAD no frequency). This variant has not been reported in the literature in individuals affected with ATOH7-related conditions. ClinVar contains an entry for this variant (Variation ID: 1520190). An algorithm developed to predict the effect of missense changes on protein structure and function (PolyPhen-2) suggests that this variant is likely to be disruptive. In summary, the available evidence is currently insufficient to determine the role of this variant in disease. Therefore, it has been classified as a Variant of Uncertain Significance.